The following is an entry in ClinVar:

ClinVar aggregate classification (germline): Uncertain significance (1 of 4 stars; one submission).

Conditions:
Deficiency of butyryl-CoA dehydrogenase (ACADSD). Also called: SCAD Deficiency; SCADH DEFICIENCY; SCAD DEFICIENCY, MILD; ACYL-CoA DEHYDROGENASE, SHORT-CHAIN, DEFICIENCY OF; ACADS DEFICIENCY; Short-Chain Acyl-CoA Dehydrogenase Deficiency. Identifiers: Orphanet 26792, MedGen C0342783, MONDO:0008722, OMIM 201470. Disease mechanism: May be benign.

Submission:

Labcorp Genetics (formerly Invitae), Labcorp
Classification: Uncertain significance for Deficiency of butyryl-CoA dehydrogenase. Last evaluated: 2019-04-03. Review status: criteria provided, single submitter. Criteria: Invitae Variant Classification Sherloc (09022015). Collection method: clinical testing. Allele origin: germline.
Comment: This variant is not present in population databases (ExAC no frequency). In summary, the available evidence is currently insufficient to determine the role of this variant in disease. Therefore, it has been classified as a Variant of Uncertain Significance. This variant, c.218_220del, results in the deletion of 1 amino acid(s) of the ACADS protein (p.Lys73del), but otherwise preserves the integrity of the reading frame.

NM_000017.4(ACADS):c.215AGA[1] (p.Lys73del)

Gene: ACADS (acyl-CoA dehydrogenase short chain; plus strand). Cytogenetic location: 12q24.31.
Variant type: Microsatellite.
Coding change: c.215AGA[1] on transcript NM_000017.4 (MANE Select); one copy of the 3-base unit AGA starting at c.215; the reference has two copies in a row; one copy, 3 bases deleted.
Protein change: p.Lys73del; deletes lysine 73.
Molecular consequence: inframe deletion.
Genome position (GRCh38, 1-based): chr12:120,736,993-120,736,995, AGA deleted; deleting any 3 consecutive bases within chr12:120,736,988-120,736,995 gives the same sequence; the position shown is the placement nearest the transcript's 3' end. VCF-style (leftmost placement, unchanged base first): chr12-120736987-TGAA-T. GRCh37 (hg19) VCF-style: chr12-121174790-TGAA-T.
Other names: c.215AGA[1], p.Lys73del (NM_001302554.2); short protein forms K73del.
Identifiers: ClinVar variation 862895 (VCV000862895.9), dbSNP rs1883462118, ClinGen allele CA916083337.